The following is an entry in ClinVar:

NM_001284285.2(INPP5J):c.983G>A (p.Arg328Gln)

Gene: INPP5J (inositol polyphosphate-5-phosphatase J; plus strand). Cytogenetic location: 22q12.2.
Variant type: single nucleotide variant.
Coding change: c.983G>A on transcript NM_001284285.2 (MANE Select); coding-DNA position 983, G replaced by A.
Protein change: p.Arg328Gln; replaces arginine 328 with glutamine.
Molecular consequence: missense variant. On other transcripts: intron variant (9).
Genome position (GRCh38, 1-based): chr22:31,125,722, G>A. VCF-style: chr22-31125722-G-A. GRCh37 (hg19) VCF-style: chr22-31521708-G-A.
Other names: c.782G>A, p.Arg261Gln (NM_001284286.2, NM_001423475.1, NM_001423476.1 and 1 more transcripts); c.983G>A, p.Arg328Gln (NM_001423472.1, NM_001423473.1, NM_001423474.1); c.-8-111G>A (NM_001284289.2, NM_001284288.2, NM_001423479.1 and 1 more transcripts); c.-116-572G>A (NM_001423481.1, NM_001284287.2); c.168-654G>A (NM_001002837.3, NM_001423480.1); c.-34-654G>A (NM_001423482.1); short protein forms R261Q, R328Q.
Identifiers: ClinVar variation 3387839 (VCV003387839.14).

ClinVar aggregate classification (germline): Likely benign (1 of 4 stars; one submission).

Submission:

CeGaT Center for Human Genetics Tuebingen
Classification: Likely benign. Last evaluated: 2024-11-01. Review status: criteria provided, single submitter. Criteria: CeGaT Center For Human Genetics Tuebingen Variant Classification Criteria Version 2. Collection method: clinical testing. Allele origin: germline. Affected: yes. Observed: 1 variant allele.
Comment: INPP5J: BS2